The following is an entry in ClinVar:

NM_012295.4(CABIN1):c.346-8G>A

Gene: CABIN1 (calcineurin binding protein 1; plus strand). Cytogenetic location: 22q11.23.
Variant type: single nucleotide variant.
Coding change: c.346-8G>A on transcript NM_012295.4 (MANE Select); 8 bases into the intron before coding-DNA position 346, G replaced by A.
Molecular consequence: intron variant.
Genome position (GRCh38, 1-based): chr22:24,042,896, G>A. VCF-style: chr22-24042896-G-A. GRCh37 (hg19) VCF-style: chr22-24439358-G-A.
Other names: c.346-8G>A (NM_001201429.2, NM_001199281.1).
Identifiers: ClinVar variation 3042399 (VCV003042399.2), dbSNP rs752450455, ClinGen allele CA10148306.

ClinVar aggregate classification (germline): Likely benign (0 of 4 stars; one submission).

Conditions:
CABIN1-related disorder. Also called: CABIN1-related condition.

Allele frequency attached by ClinVar (database versions not stated): gnomAD 0.00009; TOPMed 0.00009; gnomAD exomes 0.00010.
gnomAD v4.1: 137 of 1,337,732 alleles (0.01%); highest among the groups gnomAD compares: Middle Eastern, 0.54%; 1 homozygote.

Submission:

PreventionGenetics, part of Exact Sciences
Classification: Likely benign for CABIN1-related condition. Last evaluated: 2019-02-21. Review status: no assertion criteria provided. Collection method: clinical testing. Allele origin: germline.
Comment: This variant is classified as likely benign based on ACMG/AMP sequence variant interpretation guidelines (Richards et al. 2015 PMID: 25741868, with internal and published modifications).